The following is an entry in ClinVar:

NM_182961.4(SYNE1):c.21486C>T (p.Ser7162=)

Gene: SYNE1 (spectrin repeat containing nuclear envelope protein 1; minus strand). Cytogenetic location: 6q25.2.
Variant type: single nucleotide variant.
Coding change: c.21486C>T on transcript NM_182961.4 (MANE Select); coding-DNA position 21486, C replaced by T.
Protein change: p.Ser7162=; no amino-acid change (serine 7162 retained).
Molecular consequence: synonymous variant.
Genome position (GRCh38, 1-based): chr6:152,224,530, G>A on the plus strand (C>T on the coding strand, the complement: SYNE1 is on the minus strand). VCF-style: chr6-152224530-G-A. GRCh37 (hg19) VCF-style: chr6-152545665-G-A.
Other names: c.21273C>T, p.Ser7091= (NM_033071.5).
Identifiers: ClinVar variation 282438 (VCV000282438.49), dbSNP rs139078338, ClinGen allele CA4054148.

ClinVar aggregate classification (germline): Conflicting classifications of pathogenicity. Review status: criteria provided, conflicting classifications (1 of 4 stars). 9 submissions from 8 submitters: Uncertain significance (1); Benign (2); Likely benign (5). 1 of the submissions does not count toward it. Last evaluated 2026-08-01.

Conditions:
SYNE1-related disorder. Also called: SYNE1-related disorders; SYNE1-related disease; SYNE1-related condition.
Autosomal recessive ataxia, Beauce type. Also called: ATAXIA, RECESSIVE, OF BEAUCE; SYNE1-Related Autosomal Recessive Cerebellar Ataxia; Spinocerebellar ataxia, autosomal recessive 8; SYNE1 Deficiency. Identifiers: Orphanet 88644, MedGen C1853116, MONDO:0012549, OMIM 610743.
Emery-Dreifuss muscular dystrophy 4, autosomal dominant (EDMD4). Also called: EMERY-DREIFUSS MUSCULAR DYSTROPHY 4 WITH VARIABLE FEATURES. Identifiers: Orphanet 261, MedGen C2751807, MONDO:0013071, OMIM 612998.

Allele frequency attached by ClinVar (database versions not stated): 1000 Genomes Project 30x 0.00016; 1000 Genomes Project 0.00020; gnomAD 0.00080 and 0.00082; TOPMed 0.00085; gnomAD exomes 0.00098 and 0.00152; ExAC 0.00129; ESP Exome Variant Server 0.00154.
gnomAD v4.1: 2,299 of 1,614,040 alleles (0.14%); highest among the groups gnomAD compares: Non-Finnish European, 0.18%; 4 homozygotes.

Submissions (9):

CeGaT Center for Human Genetics Tuebingen
Classification: Likely benign. Last evaluated: 2026-08-01. Review status: criteria provided, single submitter. Criteria: CeGaT Center For Human Genetics Tuebingen Variant Classification Criteria Version 2. Collection method: clinical testing. Allele origin: germline. Affected: yes. Observed: 8 variant alleles.
Comment: SYNE1: BP4, BP7

Labcorp Genetics (formerly Invitae), Labcorp
Classification: Likely benign for Emery-Dreifuss muscular dystrophy 4, autosomal dominant; Autosomal recessive ataxia, Beauce type. Last evaluated: 2026-01-15. Review status: criteria provided, single submitter. Criteria: Invitae Variant Classification Sherloc (09022015). Collection method: clinical testing. Allele origin: germline.

Blueprint Genetics
Classification: Likely benign. Last evaluated: 2024-10-17. Review status: criteria provided, single submitter. Criteria: ACMG Guidelines, 2015. Collection method: clinical testing. Allele origin: germline.

GeneDx
Classification: Likely benign. Last evaluated: 2019-12-12. Review status: criteria provided, single submitter. Criteria: GeneDx Variant Classification Process June 2021. Collection method: clinical testing. Allele origin: germline. Affected: yes.

Athena Diagnostics
Classification: Benign. Last evaluated: 2019-05-09. Review status: criteria provided, single submitter. Criteria: Athena Diagnostics Criteria. Collection method: clinical testing. Allele origin: germline.

Illumina Laboratory Services, Illumina
Classification: Benign for Emery-Dreifuss muscular dystrophy 4, autosomal dominant. Last evaluated: 2018-01-13. Review status: criteria provided, single submitter. Criteria: ICSL Variant Classification Criteria 13 December 2019. Collection method: clinical testing. Allele origin: germline.
Comment: This variant was observed in the ICSL laboratory as part of a predisposition screen in an ostensibly healthy population. It had not been previously curated by ICSL or reported in the Human Gene Mutation Database (HGMD: prior to June 1st, 2018), and was therefore a candidate for classification through an automated scoring system. Utilizing variant allele frequency, disease prevalence and penetrance estimates, and inheritance mode, an automated score was calculated to assess if this variant is too frequent to cause the disease. Based on the score and internal cut-off values, a variant classified as benign is not then subjected to further curation. The score for this variant resulted in a classification of benign for this disease.

Illumina Laboratory Services, Illumina
Classification: Uncertain significance for Autosomal recessive ataxia, Beauce type. Last evaluated: 2018-01-13. Review status: criteria provided, single submitter. Criteria: ICSL Variant Classification Criteria 13 December 2019. Collection method: clinical testing. Allele origin: germline.

Eurofins Ntd Llc (ga)
Classification: Likely benign. Last evaluated: 2016-08-23. Review status: criteria provided, single submitter. Criteria: EGL Classification Definitions 2015. Collection method: clinical testing. Allele origin: germline. Observed: 13 variant alleles, 12 heterozygotes.

PreventionGenetics, part of Exact Sciences
Classification: Likely benign for SYNE1-related condition. Last evaluated: 2019-05-13. Review status: no assertion criteria provided. Collection method: clinical testing. Allele origin: germline. Not counted in ClinVar's aggregate classification.
Comment: This variant is classified as likely benign based on ACMG/AMP sequence variant interpretation guidelines (Richards et al. 2015 PMID: 25741868, with internal and published modifications).